The following is an entry in ClinVar:

NM_005257.6(GATA6):c.826G>A (p.Ala276Thr)

Gene: GATA6 (GATA binding protein 6; plus strand). Cytogenetic location: 18q11.2.
Variant type: single nucleotide variant.
Coding change: c.826G>A on transcript NM_005257.6 (MANE Select); coding-DNA position 826, G replaced by A.
Protein change: p.Ala276Thr; replaces alanine 276 with threonine.
Molecular consequence: missense variant.
Genome position (GRCh38, 1-based): chr18:22,171,970, G>A. VCF-style: chr18-22171970-G-A. GRCh37 (hg19) VCF-style: chr18-19751931-G-A.
Other names: short protein forms A276T.
Identifiers: ClinVar variation 472917 (VCV000472917.8), dbSNP rs1555628811, ClinGen allele CA401800996.

ClinVar aggregate classification (germline): Uncertain significance (1 of 4 stars; one submission).

Conditions:
Atrioventricular septal defect 5 (AVSD5). Identifiers: MedGen C3280939, MONDO:0013769, OMIM 614474.

Submission:

Labcorp Genetics (formerly Invitae), Labcorp
Classification: Uncertain significance for Atrioventricular septal defect 5. Last evaluated: 2017-03-02. Review status: criteria provided, single submitter. Criteria: Invitae Variant Classification Sherloc (09022015). Collection method: clinical testing. Allele origin: germline.
Comment: In summary, this variant is a novel missense change that is not predicted to affect protein function. There is no indication that it causes disease, but the available evidence is currently insufficient to prove that conclusively. Therefore, it has been classified as a Variant of Uncertain Significance. This variant is not present in population databases (ExAC no frequency) and has not been reported in the literature in individuals with a GATA6-related disease. Algorithms developed to predict the effect of missense changes on protein structure and function (SIFT, PolyPhen-2, Align-GVGD) all suggest that this variant is likely to be tolerated, but these predictions have not been confirmed by published functional studies. This sequence change replaces alanine with threonine at codon 276 of the GATA6 protein (p.Ala276Thr). The alanine residue is weakly conserved and there is a small physicochemical difference between alanine and threonine.